The following is an entry in ClinVar:

ClinVar aggregate classification (germline): Pathogenic (1 of 4 stars; one submission).

Allele frequency attached by ClinVar (database versions not stated): gnomAD 0.00002; TOPMed 0.00002.
gnomAD v4.1: 4 of 1,521,176 alleles (0.00026%); highest among the groups gnomAD compares: African/African-American, 0.0042%; no homozygotes.

Submission:

Labcorp Genetics (formerly Invitae), Labcorp
Classification: Pathogenic. Last evaluated: 2023-04-12. Review status: criteria provided, single submitter. Criteria: Invitae Variant Classification Sherloc (09022015). Collection method: clinical testing. Allele origin: germline.
Comment: For these reasons, this variant has been classified as Pathogenic. Algorithms developed to predict the effect of sequence changes on RNA splicing suggest that this variant may disrupt the consensus splice site. ClinVar contains an entry for this variant (Variation ID: 1074987). This variant has not been reported in the literature in individuals affected with DLL3-related conditions. This variant is not present in population databases (gnomAD no frequency). This sequence change creates a premature translational stop signal (p.Glu213*) in the DLL3 gene. It is expected to result in an absent or disrupted protein product. Loss-of-function variants in DLL3 are known to be pathogenic (PMID: 12746394).

Literature cited by the submitters: PubMed 12746394.

NM_203486.3(DLL3):c.637G>T (p.Glu213Ter)

Genes: DLL3 (delta like canonical Notch ligand 3; plus strand), LOC130064417 (ATAC-STARR-seq lymphoblastoid silent region 10608; plus strand). Cytogenetic location: 19q13.2.
Variant type: single nucleotide variant.
Coding change: c.637G>T on transcript NM_203486.3 (MANE Select); coding-DNA position 637, G replaced by T.
Protein change: p.Glu213Ter; replaces glutamic acid 213 with a stop codon.
Molecular consequence: nonsense.
Genome position (GRCh38, 1-based): chr19:39,503,042, G>T. VCF-style: chr19-39503042-G-T. GRCh37 (hg19) VCF-style: chr19-39993682-G-T.
Other names: c.637G>T, p.Glu213Ter (NM_016941.4); short protein forms E213*.
Identifiers: ClinVar variation 1074987 (VCV001074987.8), dbSNP rs770329421, ClinGen allele CA308252434.